The following is an entry in ClinVar:

ClinVar aggregate classification (germline): Pathogenic (1 of 4 stars; one submission).

Conditions:
Familial adenomatous polyposis 1 (FAP1). Also called: POLYPOSIS, ADENOMATOUS INTESTINAL; FAMILIAL ADENOMATOUS POLYPOSIS 1, ATTENUATED. Identifiers: MedGen C2713442, MONDO:0021056, OMIM 175100. Disease mechanism: loss of function.

Submission:

Myriad Genetics, Inc.
Classification: Pathogenic for Familial adenomatous polyposis 1. Last evaluated: 2023-04-27. Review status: criteria provided, single submitter. Criteria: Myriad Autosomal Dominant, Autosomal Recessive and X-Linked Classification Criteria (2023). Collection method: clinical testing. Allele origin: unknown.
Comment: This variant is considered pathogenic. This variant creates a frameshift predicted to result in premature protein truncation.

NM_000038.6(APC):c.654del (p.Ile218fs)

Gene: APC (APC regulator of Wnt signaling pathway; plus strand). Cytogenetic location: 5q22.2.
Variant type: Deletion.
Coding change: c.654del on transcript NM_000038.6 (MANE Select); coding-DNA position 654, one base deleted (A; older notation c.654delA).
Protein change: p.Ile218fs; shifts the reading frame from isoleucine 218.
Molecular consequence: frameshift variant. On other transcripts: intron variant (5), 5 prime UTR variant (4), non-coding transcript variant (2).
Genome position (GRCh38, 1-based): chr5:112,792,454, A deleted. VCF-style (leftmost placement, unchanged base first): chr5-112792453-TA-T. GRCh37 (hg19) VCF-style: chr5-112128150-TA-T.
Other names: c.654del, p.Ile218fs (NM_001407458.1, NM_001407459.1, NM_001407460.1 and 12 more transcripts); c.646-8825del (NM_001354899.2, NM_001407467.1, NM_001407452.1 and 1 more transcripts); c.-382del (NM_001407470.1, NM_001407472.1, NM_001407471.1 and 1 more transcripts); c.676-8825del (NM_001127511.3); c.684del, p.Ile228fs (NM_001354897.2, NM_001354902.2, NM_001407446.1); c.579del, p.Ile193fs (NM_001354898.2, NM_001354904.2, NM_001407451.1); c.477del, p.Ile159fs (NM_001354900.2, NM_001354901.2, NM_001354905.2 and 1 more transcripts); short protein forms I159fs, I193fs, I218fs, I228fs.
Identifiers: ClinVar variation 2583706 (VCV002583706.2), dbSNP rs2532631451, ClinGen allele CA2582341367.